The following is an entry in ClinVar:

NM_004067.4(CHN2):c.1161C>T (p.Ala387=)

Gene: CHN2 (chimerin 2; plus strand). Cytogenetic location: 7p14.3.
Variant type: single nucleotide variant.
Coding change: c.1161C>T on transcript NM_004067.4 (MANE Select); coding-DNA position 1161, C replaced by T.
Protein change: p.Ala387=; no amino-acid change (alanine 387 retained).
Molecular consequence: synonymous variant. On other transcripts: non-coding transcript variant (1), intron variant (1).
Genome position (GRCh38, 1-based): chr7:29,509,332, C>T. VCF-style: chr7-29509332-C-T. GRCh37 (hg19) VCF-style: chr7-29548948-C-T.
Other names: NM_001293069.1:c.1386C>T; c.753C>T, p.Ala251= (NM_001039936.3); c.1200C>T, p.Ala400= (NM_001293070.2); c.1056C>T, p.Ala352= (NM_001293071.2); c.1116C>T, p.Ala372= (NM_001293072.2); c.618C>T, p.Ala206= (NM_001293073.2); c.480C>T, p.Ala160= (NM_001293075.2); c.579C>T, p.Ala193= (NM_001293076.2); and 6 more.
Identifiers: ClinVar variation 3042613 (VCV003042613.2), dbSNP rs367881188, ClinGen allele CA4202354.

ClinVar aggregate classification (germline): Likely benign (0 of 4 stars; one submission).

Conditions:
CHN2-related disorder. Also called: CHN2-related condition.

Allele frequency attached by ClinVar (database versions not stated): gnomAD 0.00003; TOPMed 0.00003; gnomAD exomes 0.00006; ESP Exome Variant Server 0.00008; ExAC 0.00009.
gnomAD v4.1: 97 of 1,613,918 alleles (0.006%); highest among the groups gnomAD compares: South Asian, 0.016%; no homozygotes.

Submission:

PreventionGenetics, part of Exact Sciences
Classification: Likely benign for CHN2-related condition. Last evaluated: 2019-06-28. Review status: no assertion criteria provided. Collection method: clinical testing. Allele origin: germline.
Comment: This variant is classified as likely benign based on ACMG/AMP sequence variant interpretation guidelines (Richards et al. 2015 PMID: 25741868, with internal and published modifications).